The following is an entry in ClinVar:

NM_002354.3(EPCAM):c.406T>C (p.Ser136Pro)

Gene: EPCAM (epithelial cell adhesion molecule; plus strand). Cytogenetic location: 2p21.
Variant type: single nucleotide variant.
Coding change: c.406T>C on transcript NM_002354.3 (MANE Select); coding-DNA position 406, T replaced by C.
Protein change: p.Ser136Pro; replaces serine 136 with proline.
Molecular consequence: missense variant.
Genome position (GRCh38, 1-based): chr2:47,374,029, T>C. VCF-style: chr2-47374029-T-C. GRCh37 (hg19) VCF-style: chr2-47601168-T-C.
Other names: short protein forms S136P.
Identifiers: ClinVar variation 4640469 (VCV004640469.1).

ClinVar aggregate classification (germline): Uncertain significance (1 of 4 stars; one submission).

Conditions:
Hereditary cancer-predisposing syndrome. Also called: Neoplastic Syndromes, Hereditary; Tumor predisposition; Hereditary Cancer Syndrome; Hereditary neoplastic syndrome. Identifiers: Orphanet 140162, MedGen C0027672, MeSH D009386, MONDO:0015356.

Submission:

Ambry Genetics
Classification: Uncertain significance for Hereditary cancer-predisposing syndrome. Last evaluated: 2025-11-12. Review status: criteria provided, single submitter. Criteria: Ambry Variant Classification Scheme 2023. Collection method: clinical testing. Allele origin: germline.
Comment: The p.S136P variant (also known as c.406T>C), located in coding exon 3 of the EPCAM gene, results from a T to C substitution at nucleotide position 406. The serine at codon 136 is replaced by proline, an amino acid with similar properties. This amino acid position is conserved. In addition, this alteration is predicted to be tolerated by in silico analysis. Based on the available evidence, the clinical significance of this variant remains unclear.